The following is an entry in ClinVar:

ClinVar aggregate classification (germline): Uncertain significance. Review status: criteria provided, multiple submitters, no conflicts (2 of 4 stars). 2 submissions from 2 submitters: Uncertain significance (2). Last evaluated 2023-05-09.

Conditions:
Cardiovascular phenotype. Identifiers: MedGen CN230736.
Long QT syndrome (LQTS). Identifiers: MedGen C0023976, MeSH D008133, MONDO:0002442. Disease mechanism: loss of function. Inheritance: Various modes of inheritance.

Allele frequency attached by ClinVar (database versions not stated): gnomAD exomes below 0.00001; ExAC 0.00001.
gnomAD v4.1: 1 of 1,606,594 alleles (0.000062%); highest among the groups gnomAD compares: South Asian, 0.0011%; no homozygotes.

Submissions (2):

Labcorp Genetics (formerly Invitae), Labcorp
Classification: Uncertain significance for Long QT syndrome. Last evaluated: 2023-05-09. Review status: criteria provided, single submitter. Criteria: Invitae Variant Classification Sherloc (09022015). Collection method: clinical testing. Allele origin: germline.
Comment: This variant is present in population databases (rs769042540, gnomAD 0.003%). This sequence change replaces alanine, which is neutral and non-polar, with threonine, which is neutral and polar, at codon 2836 of the AKAP9 protein (p.Ala2836Thr). This variant has not been reported in the literature in individuals affected with AKAP9-related conditions. In summary, the available evidence is currently insufficient to determine the role of this variant in disease. Therefore, it has been classified as a Variant of Uncertain Significance. An algorithm developed to predict the effect of missense changes on protein structure and function (PolyPhen-2) suggests that this variant is likely to be disruptive. ClinVar contains an entry for this variant (Variation ID: 2449763).

Ambry Genetics
Classification: Uncertain significance for Cardiovascular phenotype. Last evaluated: 2023-01-12. Review status: criteria provided, single submitter. Criteria: Ambry Variant Classification Scheme 2023. Collection method: clinical testing. Allele origin: germline.
Comment: The p.A2836T variant (also known as c.8506G>A), located in coding exon 33 of the AKAP9 gene, results from a G to A substitution at nucleotide position 8506. The alanine at codon 2836 is replaced by threonine, an amino acid with similar properties. This amino acid position is conserved. In addition, this alteration is predicted to be tolerated by in silico analysis. Since supporting evidence is limited at this time, the clinical significance of this alteration remains unclear.

NM_005751.5(AKAP9):c.8506G>A (p.Ala2836Thr)

Gene: AKAP9 (A-kinase anchoring protein 9; plus strand). Cytogenetic location: 7q21.2.
Variant type: single nucleotide variant.
Coding change: c.8506G>A on transcript NM_005751.5 (MANE Select); coding-DNA position 8506, G replaced by A.
Protein change: p.Ala2836Thr; replaces alanine 2836 with threonine.
Molecular consequence: missense variant.
Genome position (GRCh38, 1-based): chr7:92,083,515, G>A. VCF-style: chr7-92083515-G-A. GRCh37 (hg19) VCF-style: chr7-91712829-G-A.
Other names: c.3151G>A, p.Ala1051Thr (NM_001379277.1); c.8482G>A, p.Ala2828Thr (NM_147185.3); short protein forms A1051T, A2828T, A2836T.
Identifiers: ClinVar variation 2449763 (VCV002449763.5), dbSNP rs769042540, ClinGen allele CA4337492.